The following is an entry in ClinVar:

NM_018089.3(ANKZF1):c.1803+2_1803+9del

Gene: ANKZF1 (ankyrin repeat and zinc finger peptidyl tRNA hydrolase 1; plus strand). Cytogenetic location: 2q35.
Variant type: Deletion.
Coding change: c.1803+2_1803+9del on transcript NM_018089.3 (MANE Select); the canonical splice donor site of the intron after coding-DNA position 1803 through 9 bases into the intron after coding-DNA position 1803, 8 bases deleted (TCATCTGG; older notation c.1803+2_1803+9delTCATCTGG).
Molecular consequence: splice donor variant.
Genome position (GRCh38, 1-based): chr2:219,235,587-219,235,594, TCATCTGG deleted; deleting any 8 consecutive bases within chr2:219,235,585-219,235,594 gives the same sequence; the c. name uses the placement nearest the transcript's 3' end. VCF-style (leftmost placement, unchanged base first): chr2-219235584-AGGTCATCT-A. GRCh37 (hg19) VCF-style: chr2-220100306-AGGTCATCT-A.
Other names: c.1803+2_1803+9del (NM_001042410.2); c.1173+2_1173+9del (NM_001282792.2).
Identifiers: ClinVar variation 2849143 (VCV002849143.3), dbSNP rs2544931957, ClinGen allele CA2739277910.
Genomic context (GRCh38, chr2:219,235,584, plus strand): 5'-GTAATGAGTTCCGAAGGTTCATGGAGAAGAATCCAGATGCCTACGATTACAACAAGGCTC[AGGTCATCT>A]GGAATAGGAAGGACAAGCAGAGTGGGAAGGCATCACAGATCCTGGCTAGATCCTTTCTAC-3'

ClinVar aggregate classification (germline): Uncertain significance (1 of 4 stars; one submission).

Submission:

Labcorp Genetics (formerly Invitae), Labcorp
Classification: Uncertain significance. Last evaluated: 2023-04-08. Review status: criteria provided, single submitter. Criteria: Invitae Variant Classification Sherloc (09022015). Collection method: clinical testing. Allele origin: germline.
Comment: This sequence change affects a splice site in intron 11 of the ANKZF1 gene. It is expected to disrupt RNA splicing. Variants that disrupt the donor or acceptor splice site typically lead to a loss of protein function (PMID: 16199547), however the current clinical and genetic evidence is not sufficient to establish whether loss-of-function variants in ANKZF1 cause disease. In summary, the available evidence is currently insufficient to determine the role of this variant in disease. Therefore, it has been classified as a Variant of Uncertain Significance. Algorithms developed to predict the effect of sequence changes on RNA splicing suggest that this variant may disrupt the consensus splice site. This variant has not been reported in the literature in individuals affected with ANKZF1-related conditions. This variant is not present in population databases (gnomAD no frequency).

Literature cited by the submitters: PubMed 16199547.